The following is an entry in ClinVar:

ClinVar aggregate classification (germline): Uncertain significance. Review status: criteria provided, multiple submitters, no conflicts (2 of 4 stars). 2 submissions from 2 submitters: Uncertain significance (2). Last evaluated 2025-06-06.

Submissions (2):

Labcorp Genetics (formerly Invitae), Labcorp
Classification: Uncertain significance. Last evaluated: 2025-06-06. Review status: criteria provided, single submitter. Criteria: Invitae Variant Classification Sherloc (09022015). Collection method: clinical testing. Allele origin: germline.
Comment: This variant, c.439_444dup, results in the insertion of 2 amino acid(s) of the IRF2BP2 protein (p.Thr147_Pro148dup), but otherwise preserves the integrity of the reading frame. This variant is present in population databases (rs745374224, gnomAD 0.003%). This variant has not been reported in the literature in individuals affected with IRF2BP2-related conditions. ClinVar contains an entry for this variant (Variation ID: 2906083). In summary, the available evidence is currently insufficient to determine the role of this variant in disease. Therefore, it has been classified as a Variant of Uncertain Significance.

Blueprint Genetics
Classification: Uncertain significance. Last evaluated: 2023-07-25. Review status: criteria provided, single submitter. Criteria: ACMG Guidelines, 2015. Collection method: clinical testing. Allele origin: germline.

NM_182972.3(IRF2BP2):c.439_444dup (p.Pro148_Gln149insThrPro)

Genes: IRF2BP2 (interferon regulatory factor 2 binding protein 2; minus strand), LOC129932812 (ATAC-STARR-seq lymphoblastoid silent region 1977; plus strand). Cytogenetic location: 1q42.3.
Variant type: Duplication.
Coding change: c.439_444dup on transcript NM_182972.3 (MANE Select); coding-DNA positions 439 to 444, 6 bases duplicated (ACGCCG; older notation c.439_444dupACGCCG).
Protein change: p.Pro148_Gln149insThrPro.
Molecular consequence: inframe insertion.
Genome position (GRCh38, 1-based): chr1:234,609,051-234,609,056, CGGCGT duplicated on the plus strand (ACGCCG on the coding strand, the reverse complement: IRF2BP2 is on the minus strand); duplicating any 6 consecutive bases within chr1:234,609,051-234,609,061 gives the same sequence; the c. name uses the placement nearest the transcript's 3' end. VCF-style (leftmost placement, unchanged base first): chr1-234609050-G-GCGGCGT. GRCh37 (hg19) VCF-style: chr1-234744796-G-GCGGCGT.
Other names: c.439_444dup, p.Pro148_Gln149insThrPro (NM_001077397.1).
Identifiers: ClinVar variation 2906083 (VCV002906083.4), dbSNP rs745374224, ClinGen allele CA1461855.